The following is an entry in ClinVar:

ClinVar aggregate classification (germline): Uncertain significance. Review status: criteria provided, multiple submitters, no conflicts (2 of 4 stars). 3 submissions from 3 submitters: Uncertain significance (3). Last evaluated 2025-07-10.

Conditions:
Hereditary cancer-predisposing syndrome. Also called: Neoplastic Syndromes, Hereditary; Hereditary neoplastic syndrome; Tumor predisposition; Hereditary Cancer Syndrome. Identifiers: Orphanet 140162, MedGen C0027672, MeSH D009386, MONDO:0015356.
Neuroblastoma, susceptibility to, 3. Also called: ALK-Related Neuroblastic Tumor Susceptibility. Identifiers: Orphanet 635, MedGen C2751681, MONDO:0013083, OMIM 613014.

Allele frequency attached by ClinVar (database versions not stated): TOPMed below 0.00001.

Submissions (3):

Labcorp Genetics (formerly Invitae), Labcorp
Classification: Uncertain significance for Neuroblastoma, susceptibility to, 3. Last evaluated: 2025-07-10. Review status: criteria provided, single submitter. Criteria: Invitae Variant Classification Sherloc (09022015). Collection method: clinical testing. Allele origin: germline.
Comment: This sequence change replaces valine, which is neutral and non-polar, with phenylalanine, which is neutral and non-polar, at codon 581 of the ALK protein (p.Val581Phe). This variant is not present in population databases (gnomAD no frequency). This variant has not been reported in the literature in individuals affected with ALK-related conditions. ClinVar contains an entry for this variant (Variation ID: 836289). An algorithm developed to predict the effect of missense changes on protein structure and function (PolyPhen-2) suggests that this variant is likely to be tolerated. In summary, the available evidence is currently insufficient to determine the role of this variant in disease. Therefore, it has been classified as a Variant of Uncertain Significance.

GeneDx
Classification: Uncertain significance. Last evaluated: 2025-01-28. Review status: criteria provided, single submitter. Criteria: GeneDx Variant Classification Process June 2021. Collection method: clinical testing. Allele origin: germline. Affected: yes.
Comment: Not observed at significant frequency in large population cohorts (gnomAD); In silico analysis indicates that this missense variant does not alter protein structure/function; Has not been previously published as pathogenic or benign to our knowledge

Ambry Genetics
Classification: Uncertain significance for Hereditary cancer-predisposing syndrome. Last evaluated: 2024-05-12. Review status: criteria provided, single submitter. Criteria: Ambry Variant Classification Scheme 2023. Collection method: clinical testing. Allele origin: germline.
Comment: The p.V581F variant (also known as c.1741G>T), located in coding exon 9 of the ALK gene, results from a G to T substitution at nucleotide position 1741. The valine at codon 581 is replaced by phenylalanine, an amino acid with highly similar properties. This amino acid position is conserved. In addition, this alteration is predicted to be tolerated by in silico analysis. Since supporting evidence is limited at this time, the clinical significance of this alteration remains unclear.

NM_004304.5(ALK):c.1741G>T (p.Val581Phe)

Gene: ALK (ALK receptor tyrosine kinase; minus strand). Cytogenetic location: 2p23.2.
Variant type: single nucleotide variant.
Coding change: c.1741G>T on transcript NM_004304.5 (MANE Select); coding-DNA position 1741, G replaced by T.
Protein change: p.Val581Phe; replaces valine 581 with phenylalanine.
Molecular consequence: missense variant.
Genome position (GRCh38, 1-based): chr2:29,296,964, C>A on the plus strand (G>T on the coding strand, the complement: ALK is on the minus strand). VCF-style: chr2-29296964-C-A. GRCh37 (hg19) VCF-style: chr2-29519830-C-A.
Other names: short protein forms V581F.
Identifiers: ClinVar variation 836289 (VCV000836289.14), dbSNP rs1666203352, ClinGen allele CA346466211.
Genomic context (GRCh38, chr2:29,296,964, plus strand): 5'-GGAGAGGCAACACCATCCACTGCCACAGGCTCAAGCCTTCATAGGCGGCGACATGCCAGA[C>A]CATCCTGCCTTGCTCCTTCCCGGTTTTGTTCTCCACTAGCACCAAGGACACGTTTCCCCT-3'
Protein context (NP_004295.2, residues 571-591): NKTGKEQGRM[Val581Phe]WHVAAYEGLS